The following is an entry in ClinVar:

ClinVar aggregate classification (germline): Pathogenic/Likely pathogenic. Review status: criteria provided, multiple submitters, no conflicts (2 of 4 stars). 3 submissions from 3 submitters: Pathogenic (1); Likely pathogenic (2). Last evaluated 2022-11-12.

Conditions:
Marfan syndrome (MFS). Also called: MARFAN SYNDROME, TYPE I; FBN1-Related Marfan Syndrome; Marfan syndrome type 1; Marfan's syndrome; Marfan syndrome, classic. Identifiers: Orphanet 284963, Orphanet 558, MedGen C0024796, MONDO:0007947, OMIM 154700.

Submissions (3):

GeneDx
Classification: Pathogenic. Last evaluated: 2022-11-12. Review status: criteria provided, single submitter. Criteria: GeneDx Variant Classification Process June 2021. Collection method: clinical testing. Allele origin: germline. Affected: yes.
Comment: Not observed at significant frequency in large population cohorts (gnomAD); Variant in the last nucleotide of the exon in a gene for which loss of function is a known mechanism of disease, and both splice predictors and evolutionary conservation support a deleterious effect, although in the absence of functional evidence the actual effect of this sequence change is unknown.; Substitution of a calcium-binding residue within a calcium-binding EGF-like domain of fibrillin-1, which is an established mechanism of disease for Marfan syndrome (Loeys et al., 2010); This variant is associated with the following publications: (PMID: 19370756, 19293843, 20886638)

Clinical Genetics Laboratory, Skane University Hospital Lund
Classification: Likely pathogenic. Last evaluated: 2022-05-27. Review status: criteria provided, single submitter. Criteria: ACMG Guidelines, 2015. Collection method: clinical testing. Allele origin: germline. Affected: yes.

Clinical Genetics and Genomics, Karolinska University Hospital
Classification: Likely pathogenic for Marfan syndrome. Last evaluated: 2020-06-05. Review status: criteria provided, single submitter. Criteria: ACMG Guidelines, 2015. Collection method: clinical testing. Allele origin: de novo. Inheritance: Autosomal dominant inheritance. Affected: yes.

NM_000138.5(FBN1):c.3964G>A (p.Asp1322Asn)

Gene: FBN1 (fibrillin 1; minus strand). Cytogenetic location: 15q21.1.
Variant type: single nucleotide variant.
Coding change: c.3964G>A on transcript NM_000138.5 (MANE Select); coding-DNA position 3964, G replaced by A.
Protein change: p.Asp1322Asn; replaces aspartic acid 1322 with asparagine.
Molecular consequence: missense variant.
Genome position (GRCh38, 1-based): chr15:48,481,655, C>T on the plus strand (G>A on the coding strand, the complement: FBN1 is on the minus strand). VCF-style: chr15-48481655-C-T. GRCh37 (hg19) VCF-style: chr15-48773852-C-T.
Other names: c.3964G>A, p.Asp1322Asn (NM_001406716.1); short protein forms D1322N.
Identifiers: ClinVar variation 2502068 (VCV002502068.3), dbSNP rs2505533162, ClinGen allele CA392322188.